The following is an entry in ClinVar:

ClinVar aggregate classification (germline): Uncertain significance. Review status: criteria provided, multiple submitters, no conflicts (2 of 4 stars). 4 submissions from 4 submitters: Uncertain significance (3). 1 of the submissions does not count toward it. Last evaluated 2026-01-12.

Conditions:
Polyglandular autoimmune syndrome, type 1 (APS1). Also called: AUTOIMMUNE POLYENDOCRINE SYNDROME, TYPE I, WITH OR WITHOUT REVERSIBLE METAPHYSEAL DYSPLASIA; APS I; Whitaker syndrome; Autoimmune polyendocrinopathy syndrome , type I, with or without reversible metaphyseal dysplasia; Autoimmune polyendocrine syndrome type 1; PGA I. Identifiers: Orphanet 3453, MedGen C0085859, MONDO:0009411, OMIM 240300.

Allele frequency attached by ClinVar (database versions not stated): gnomAD exomes below 0.00001; TOPMed 0.00001.

Submissions (4):

Labcorp Genetics (formerly Invitae), Labcorp
Classification: Uncertain significance for Polyglandular autoimmune syndrome, type 1. Last evaluated: 2026-01-12. Review status: criteria provided, single submitter. Criteria: Invitae Variant Classification Sherloc (09022015). Collection method: clinical testing. Allele origin: germline.
Comment: This sequence change replaces methionine, which is neutral and non-polar, with threonine, which is neutral and polar, at codon 194 of the AIRE protein (p.Met194Thr). This variant is present in population databases (no rsID available, gnomAD 0.003%). This variant has not been reported in the literature in individuals affected with AIRE-related conditions. ClinVar contains an entry for this variant (Variation ID: 581942). Invitae Evidence Modeling of protein sequence and biophysical properties (such as structural, functional, and spatial information, amino acid conservation, physicochemical variation, residue mobility, and thermodynamic stability) indicates that this missense variant is not expected to disrupt AIRE protein function with a negative predictive value of 95%. In summary, the available evidence is currently insufficient to determine the role of this variant in disease. Therefore, it has been classified as a Variant of Uncertain Significance.

Mayo Clinic Laboratories, Mayo Clinic
Classification: Uncertain significance. Last evaluated: 2025-07-14. Review status: criteria provided, single submitter. Criteria: ACMG Guidelines, 2015. Collection method: clinical testing. Allele origin: germline. Observed: 1 variant allele.
Comment: BP4_moderate, PM2_supporting

Genetic Services Laboratory, University of Chicago
Classification: Uncertain significance. Last evaluated: 2021-04-07. Review status: criteria provided, single submitter. Criteria: ACMG Guidelines, 2015. Collection method: clinical testing. Allele origin: germline. Affected: no.
Comment: DNA sequence analysis of the AIRE gene demonstrated a sequence change, c.581T>C, in exon 5 that results in an amino acid change, p.Met194Thr. This sequence change does not appear to have been previously described in patients with AIRE-related disorders and has been described in the gnomAD database with a low population frequency of 0.00040% (dbSNP rs1351412367). The p.Met194Thr change affects a poorly conserved amino acid residue located in a domain of the AIRE protein that is known to be functional. In-silico pathogenicity prediction tools (SIFT, PolyPhen2, Align GVGD, REVEL) provide contradictory results for the p.Met194Thr substitution. Due to these contrasting evidences and the lack of functional studies, the clinical significance of the p.Met194Thr change remains unknown at this time.

Natera, Inc.
Classification: Uncertain significance for Polyglandular autoimmune syndrome type 1. Last evaluated: 2020-02-21. Review status: no assertion criteria provided. Collection method: clinical testing. Allele origin: germline. Not counted in ClinVar's aggregate classification.

NM_000383.4(AIRE):c.581T>C (p.Met194Thr)

Gene: AIRE (autoimmune regulator; plus strand). Cytogenetic location: 21q22.3.
Variant type: single nucleotide variant.
Coding change: c.581T>C on transcript NM_000383.4 (MANE Select); coding-DNA position 581, T replaced by C.
Protein change: p.Met194Thr; replaces methionine 194 with threonine.
Molecular consequence: missense variant.
Genome position (GRCh38, 1-based): chr21:44,288,387, T>C. VCF-style: chr21-44288387-T-C. GRCh37 (hg19) VCF-style: chr21-45708270-T-C.
Other names: p.Met194Thr; short protein forms M194T.
Identifiers: ClinVar variation 581942 (VCV000581942.14), dbSNP rs1351412367, ClinGen allele CA410424144.